The following is an entry in ClinVar:

NM_017654.4(SAMD9):c.1535C>G (p.Ser512Cys)

Gene: SAMD9 (sterile alpha motif domain containing 9; minus strand). Cytogenetic location: 7q21.2.
Variant type: single nucleotide variant.
Coding change: c.1535C>G on transcript NM_017654.4 (MANE Select); coding-DNA position 1535, C replaced by G.
Protein change: p.Ser512Cys; replaces serine 512 with cysteine.
Molecular consequence: missense variant.
Genome position (GRCh38, 1-based): chr7:93,104,563, G>C on the plus strand (C>G on the coding strand, the complement: SAMD9 is on the minus strand). VCF-style: chr7-93104563-G-C. GRCh37 (hg19) VCF-style: chr7-92733876-G-C.
Other names: c.1535C>G, p.Ser512Cys (NM_001193307.2); short protein forms S512C.
Identifiers: ClinVar variation 4629958 (VCV004629958.1).

ClinVar aggregate classification (germline): Uncertain significance (1 of 4 stars; one submission).

Conditions:
Inborn genetic diseases. Identifiers: MedGen C0950123, MeSH D030342.

Submission:

Ambry Genetics
Classification: Uncertain significance for Inborn genetic diseases. Last evaluated: 2025-11-23. Review status: criteria provided, single submitter. Criteria: Ambry Variant Classification Scheme 2023. Collection method: clinical testing. Allele origin: germline.
Comment: The p.S512C variant (also known as c.1535C>G), located in coding exon 1 of the SAMD9 gene, results from a C to G substitution at nucleotide position 1535. The serine at codon 512 is replaced by cysteine, an amino acid with dissimilar properties. This amino acid position is conserved. In addition, this alteration is predicted to be tolerated by in silico analysis. Based on the available evidence, the clinical significance of this variant remains unclear.